The following is an entry in ClinVar:

ClinVar aggregate classification (germline): Uncertain significance (1 of 4 stars; one submission).

Conditions:
Spastic ataxia 2. Also called: Ataxia, spastic, 2, autosomal recessive. Identifiers: Orphanet 397946, MedGen C1969796, MONDO:0012651, OMIM 611302.

Submission:

Labcorp Genetics (formerly Invitae), Labcorp
Classification: Uncertain significance for Spastic ataxia 2. Last evaluated: 2024-11-11. Review status: criteria provided, single submitter. Criteria: Invitae Variant Classification Sherloc (09022015). Collection method: clinical testing. Allele origin: germline.
Comment: This sequence change falls in intron 7 of the KIF1C gene. It does not directly change the encoded amino acid sequence of the KIF1C protein. It affects a nucleotide within the consensus splice site. This variant is not present in population databases (gnomAD no frequency). This variant has not been reported in the literature in individuals affected with KIF1C-related conditions. ClinVar contains an entry for this variant (Variation ID: 1389742). Variants that disrupt the consensus splice site are a relatively common cause of aberrant splicing (PMID: 17576681, 9536098). Algorithms developed to predict the effect of sequence changes on RNA splicing suggest that this variant is not likely to affect RNA splicing. In summary, the available evidence is currently insufficient to determine the role of this variant in disease. Therefore, it has been classified as a Variant of Uncertain Significance.

Literature cited by the submitters: PubMed 17576681; PubMed 9536098.

NM_006612.6(KIF1C):c.608+6G>A

Gene: KIF1C (kinesin family member 1C; plus strand). Cytogenetic location: 17p13.2.
Variant type: single nucleotide variant.
Coding change: c.608+6G>A on transcript NM_006612.6 (MANE Select); 6 bases into the intron after coding-DNA position 608, G replaced by A.
Molecular consequence: intron variant.
Genome position (GRCh38, 1-based): chr17:5,002,648, G>A. VCF-style: chr17-5002648-G-A. GRCh37 (hg19) VCF-style: chr17-4905943-G-A.
Identifiers: ClinVar variation 1389742 (VCV001389742.6), dbSNP rs2143313510, ClinGen allele CA2573152989.